The following is an entry in ClinVar:

ClinVar aggregate classification (germline): Benign. Review status: criteria provided, multiple submitters, no conflicts (2 of 4 stars). 3 submissions from 3 submitters: Benign (3). Last evaluated 2026-02-04.

Conditions:
Primary dilated cardiomyopathy (DCM). Also called: Dilated Cardiomyopathy. Identifiers: Orphanet 217604, MedGen C0007193, MeSH D002311, MONDO:0005021, HP:0001644. Inheritance: Various modes of inheritance.

Allele frequency attached by ClinVar (database versions not stated): gnomAD 0.07704 and 0.08271; ESP Exome Variant Server 0.07934; 1000 Genomes Project 0.08486; TOPMed 0.08741; 1000 Genomes Project 30x 0.08869.
gnomAD v4.1: 23,230 of 1,613,380 alleles (1.4%); highest among the groups gnomAD compares: African/African-American, 26%; 2,753 homozygotes.

Submissions (3):

Labcorp Genetics (formerly Invitae), Labcorp
Classification: Benign for Primary dilated cardiomyopathy. Last evaluated: 2026-02-04. Review status: criteria provided, single submitter. Criteria: Invitae Variant Classification Sherloc (09022015). Collection method: clinical testing. Allele origin: germline.

GeneDx
Classification: Benign. Last evaluated: 2016-10-03. Review status: criteria provided, single submitter. Criteria: GeneDx Variant Classification (06012015). Collection method: clinical testing. Allele origin: germline. Affected: yes.
Comment: This variant is considered likely benign or benign based on one or more of the following criteria: it is a conservative change, it occurs at a poorly conserved position in the protein, it is predicted to be benign by multiple in silico algorithms, and/or has population frequency not consistent with disease.

Breakthrough Genomics
Classification: Benign. Review status: criteria provided, single submitter. Criteria: ACMG Guidelines, 2015. Collection method: not provided. Allele origin: germline. Inheritance: Autosomal recessive inheritance. Affected: yes.

NM_006440.5(TXNRD2):c.1347+20A>G

Gene: TXNRD2 (thioredoxin reductase 2; minus strand). Cytogenetic location: 22q11.21.
Variant type: single nucleotide variant.
Coding change: c.1347+20A>G on transcript NM_006440.5 (MANE Select); 20 bases into the intron after coding-DNA position 1347, A replaced by G.
Molecular consequence: intron variant.
Genome position (GRCh38, 1-based): chr22:19,878,346, T>C on the plus strand (A>G on the coding strand, the complement: TXNRD2 is on the minus strand). VCF-style: chr22-19878346-T-C. GRCh37 (hg19) VCF-style: chr22-19865869-T-C.
Other names: c.1344+20A>G (NM_001352300.2); c.1059+20A>G (NM_001352302.2); c.1257+20A>G (NM_001352301.2).
Identifiers: ClinVar variation 384727 (VCV000384727.10), dbSNP rs113605285, ClinGen allele CA10103693.